The following is an entry in ClinVar:

NM_032444.4(SLX4):c.1059G>C (p.Leu353Phe)

Gene: SLX4 (SLX4 structure-specific endonuclease subunit; minus strand). Cytogenetic location: 16p13.3.
Variant type: single nucleotide variant.
Coding change: c.1059G>C on transcript NM_032444.4 (MANE Select); coding-DNA position 1059, G replaced by C.
Protein change: p.Leu353Phe; replaces leucine 353 with phenylalanine.
Molecular consequence: missense variant.
Genome position (GRCh38, 1-based): chr16:3,601,083, C>G on the plus strand (G>C on the coding strand, the complement: SLX4 is on the minus strand). VCF-style: chr16-3601083-C-G. GRCh37 (hg19) VCF-style: chr16-3651084-C-G.
Other names: short protein forms L353F.
Identifiers: ClinVar variation 1398477 (VCV001398477.9), dbSNP rs1431335924, ClinGen allele CA394531660.

ClinVar aggregate classification (germline): Uncertain significance. Review status: criteria provided, multiple submitters, no conflicts (2 of 4 stars). 2 submissions from 2 submitters: Uncertain significance (2). Last evaluated 2024-05-11.

Conditions:
Fanconi anemia complementation group P. Also called: SLX4-Related Fanconi Anemia. Identifiers: Orphanet 84, MedGen C3469542, MONDO:0013499, OMIM 613951.
Fanconi anemia (FA). Also called: Fanconi's anemia. Identifiers: Orphanet 84, MedGen C0015625, MeSH D005199, MONDO:0019391.

Allele frequency attached by ClinVar (database versions not stated): gnomAD exomes below 0.00001.

Submissions (2):

Fulgent Genetics
Classification: Uncertain significance for Fanconi anemia complementation group P. Last evaluated: 2024-05-11. Review status: criteria provided, single submitter. Criteria: ACMG Guidelines, 2015. Collection method: clinical testing. Allele origin: germline.

Labcorp Genetics (formerly Invitae), Labcorp
Classification: Uncertain significance for Fanconi anemia. Last evaluated: 2022-07-26. Review status: criteria provided, single submitter. Criteria: Invitae Variant Classification Sherloc (09022015). Collection method: clinical testing. Allele origin: germline.
Comment: This sequence change replaces leucine, which is neutral and non-polar, with phenylalanine, which is neutral and non-polar, at codon 353 of the SLX4 protein (p.Leu353Phe). This variant is present in population databases (no rsID available, gnomAD 0.003%). This variant has not been reported in the literature in individuals affected with SLX4-related conditions. ClinVar contains an entry for this variant (Variation ID: 1398477). Algorithms developed to predict the effect of missense changes on protein structure and function are either unavailable or do not agree on the potential impact of this missense change (SIFT: "Deleterious"; PolyPhen-2: "Probably Damaging"; Align-GVGD: "Class C0"). In summary, the available evidence is currently insufficient to determine the role of this variant in disease. Therefore, it has been classified as a Variant of Uncertain Significance.